The following is an entry in ClinVar:

ClinVar aggregate classification (germline): Uncertain significance (1 of 4 stars; one submission).

gnomAD v4.1: 12 of 1,613,846 alleles (0.00074%); highest among the groups gnomAD compares: Non-Finnish European, 0.001%; no homozygotes.

Submission:

GeneDx
Classification: Uncertain significance. Last evaluated: 2024-04-17. Review status: criteria provided, single submitter. Criteria: GeneDx Variant Classification Process June 2021. Collection method: clinical testing. Allele origin: germline. Affected: yes.
Comment: Not observed at significant frequency in large population cohorts (gnomAD); Stop codon loss and change to a arginine codon, leading to protein extension and the addition of 14 amino acids at the C-terminus; Has not been previously published as pathogenic or benign to our knowledge

NM_000410.4(HFE):c.1045T>A (p.Ter349Arg)

Gene: HFE (homeostatic iron regulator; plus strand). Cytogenetic location: 6p22.2.
Variant type: single nucleotide variant.
Coding change: c.1045T>A on transcript NM_000410.4 (MANE Select); coding-DNA position 1045, T replaced by A.
Protein change: p.Ter349Arg.
Molecular consequence: stop lost. On other transcripts: intron variant (3).
Genome position (GRCh38, 1-based): chr6:26,094,224, T>A. VCF-style: chr6-26094224-T-A. GRCh37 (hg19) VCF-style: chr6-26094452-T-A.
Other names: c.1036T>A, p.Ter346Arg (NM_001406751.1); c.727T>A, p.Ter243Arg (NM_139003.3); c.769T>A, p.Ter257Arg (NM_139004.3); c.1003T>A, p.Ter335Arg (NM_139006.3); c.781T>A, p.Ter261Arg (NM_139007.3); c.739T>A, p.Ter247Arg (NM_139008.3); c.976T>A, p.Ter326Arg (NM_139009.3); c.505T>A, p.Ter169Arg (NM_139010.3); and 4 more.
Identifiers: ClinVar variation 3372714 (VCV003372714.1).